The following is an entry in ClinVar:

ClinVar aggregate classification (germline): Likely pathogenic. Review status: criteria provided, single submitter (1 of 4 stars). 2 submissions from 2 submitters: Likely pathogenic (1). 1 of the submissions does not count toward it. Last evaluated 2023-12-20.

Conditions:
Gastrointestinal stromal tumor. Also called: Gastrointestinal stromal tumor, somatic; Gastrointestinal stroma tumor. Identifiers: Orphanet 44890, MedGen C0238198, MeSH D046152, MONDO:0011719, OMIM 606764, HP:0100723.
Piebaldism. Also called: Piebald skin depigmentation. Identifiers: Orphanet 2884, MedGen C0080024, MONDO:0008244, OMIM 172800, HP:0007544.

Submissions (2):

Labcorp Genetics (formerly Invitae), Labcorp
Classification: Likely pathogenic for Gastrointestinal stromal tumor. Last evaluated: 2023-12-20. Review status: criteria provided, single submitter. Criteria: Invitae Variant Classification Sherloc (09022015). Collection method: clinical testing. Allele origin: germline.
Comment: This sequence change replaces glutamic acid, which is acidic and polar, with lysine, which is basic and polar, at codon 583 of the KIT protein (p.Glu583Lys). This variant is not present in population databases (gnomAD no frequency). This missense change has been observed in individuals with piebaldism (PMID: 1376329, 1720553, 32220041; Invitae). ClinVar contains an entry for this variant (Variation ID: 13849). An algorithm developed to predict the effect of missense changes on protein structure and function (PolyPhen-2) suggests that this variant is likely to be disruptive. Experimental studies have shown that this missense change affects KIT function (PMID: 1376329). This variant disrupts the p.Glu583 amino acid residue in KIT. Other variant(s) that disrupt this residue have been observed in individuals with KIT-related conditions (PMID: 24627108, 32220041), which suggests that this may be a clinically significant amino acid residue. In summary, the currently available evidence indicates that the variant is pathogenic, but additional data are needed to prove that conclusively. Therefore, this variant has been classified as Likely Pathogenic.

OMIM
Classification: Pathogenic for PIEBALDISM. Last evaluated: 1992-06-01. Review status: no assertion criteria provided. Collection method: literature only. Allele origin: germline. Not counted in ClinVar's aggregate classification.

Literature cited by the submitters: PubMed 1376329 (cited by Labcorp Genetics (formerly Invitae), Labcorp and OMIM); PubMed 1720553 (cited by Labcorp Genetics (formerly Invitae), Labcorp and OMIM); PubMed 32220041 (cited by Labcorp Genetics (formerly Invitae), Labcorp); PubMed 24627108 (cited by Labcorp Genetics (formerly Invitae), Labcorp).

NM_000222.3(KIT):c.1747G>A (p.Glu583Lys)

Gene: KIT (KIT proto-oncogene, receptor tyrosine kinase; plus strand). Cytogenetic location: 4q12.
Variant type: single nucleotide variant.
Coding change: c.1747G>A on transcript NM_000222.3 (MANE Select); coding-DNA position 1747, G replaced by A.
Protein change: p.Glu583Lys; replaces glutamic acid 583 with lysine.
Molecular consequence: missense variant.
Genome position (GRCh38, 1-based): chr4:54,727,515, G>A. VCF-style: chr4-54727515-G-A. GRCh37 (hg19) VCF-style: chr4-55593681-G-A.
Other names: c.1735G>A, p.Glu579Lys (NM_001093772.2, NM_001385286.1); c.1750G>A, p.Glu584Lys (NM_001385284.1, NM_001385290.1); c.1747G>A, p.Glu583Lys (NM_001385285.1); c.1738G>A, p.Glu580Lys (NM_001385288.1, NM_001385292.1); short protein forms E583K, E579K, E580K, E584K.
Identifiers: ClinVar variation 13849 (VCV000013849.4), dbSNP rs121913680, ClinGen allele CA123509.